The following is an entry in ClinVar:

NM_001276345.2(TNNT2):c.833T>C (p.Ile278Thr)

Gene: TNNT2 (troponin T2, cardiac type; minus strand). Cytogenetic location: 1q32.1.
Variant type: single nucleotide variant.
Coding change: c.833T>C on transcript NM_001276345.2 (MANE Select); coding-DNA position 833, T replaced by C.
Protein change: p.Ile278Thr; replaces isoleucine 278 with threonine.
Molecular consequence: missense variant.
Genome position (GRCh38, 1-based): chr1:201,359,641, A>G on the plus strand (T>C on the coding strand, the complement: TNNT2 is on the minus strand). VCF-style: chr1-201359641-A-G. GRCh37 (hg19) VCF-style: chr1-201328769-A-G.
Other names: c.824T>C, p.Ile275Thr (NM_000364.4, NM_001406723.1); c.803T>C, p.Ile268Thr (NM_001001430.3, NM_001276347.2, NM_001406724.1); c.794T>C, p.Ile265Thr (NM_001001431.3, NM_001406726.1, NM_001406727.1); c.785T>C, p.Ile262Thr (NM_001001432.3); c.704T>C, p.Ile235Thr (NM_001276346.2); c.800T>C, p.Ile267Thr (NM_001406725.1); c.788T>C, p.Ile263Thr (NM_001406728.1); short protein forms I235T, I262T, I263T, I265T, I267T, I268T, I275T, I278T.
Identifiers: ClinVar variation 4757732 (VCV004757732.1).
Genomic context (GRCh38, chr1:201,359,641, plus strand): 5'-GGGCAGGGGGAGGGCTAGGCGAGAATGACCTCAGACACTTACACTTTCTGGTTATCGTTG[A>G]TCCTGTTTCGGAGAACATTGATCTGCAAGAAAAGTGGGAAGGACAAAGAGCAACGCTGGA-3'
Protein context (NP_001263274.1, residues 268-288): KYEINVLRNR[Ile278Thr]NDNQKVSKTR

ClinVar aggregate classification (germline): Uncertain significance (1 of 4 stars; one submission).

Conditions:
Cardiomyopathy (CMYO). Also called: Cardiomyopathies. Identifiers: Orphanet 167848, MedGen C0878544, MONDO:0004994, HP:0001638. Inheritance: Various modes of inheritance.

Submission:

Color Diagnostics, LLC DBA Color Health
Classification: Uncertain significance for Cardiomyopathy. Last evaluated: 2025-08-07. Review status: criteria provided, single submitter. Criteria: ACMG Guidelines, 2015. Collection method: clinical testing. Allele origin: germline.
Comment: This missense variant replaces isoleucine with threonine at codon 268 of the TNNT2 protein. Computational prediction is inconclusive regarding the impact of this variant on protein structure and function. To our knowledge, functional studies have not been reported for this variant. This variant has not been reported in individuals affected with TNNT2-related disorders in the literature. This variant has not been identified in the general population by the Genome Aggregation Database (gnomAD). The available evidence is insufficient to determine the role of this variant in disease conclusively. Therefore, this variant is classified as a Variant of Uncertain Significance.